The following is an entry in ClinVar:

NM_004304.5(ALK):c.2892C>A (p.Ile964=)

Gene: ALK (ALK receptor tyrosine kinase; minus strand). Cytogenetic location: 2p23.2.
Variant type: single nucleotide variant.
Coding change: c.2892C>A on transcript NM_004304.5 (MANE Select); coding-DNA position 2892, C replaced by A.
Protein change: p.Ile964=; no amino-acid change (isoleucine 964 retained).
Molecular consequence: synonymous variant.
Genome position (GRCh38, 1-based): chr2:29,227,596, G>T on the plus strand (C>A on the coding strand, the complement: ALK is on the minus strand). VCF-style: chr2-29227596-G-T. GRCh37 (hg19) VCF-style: chr2-29450462-G-T.
Identifiers: ClinVar variation 4834206 (VCV004834206.1).
Genomic context (GRCh38, chr2:29,227,596, plus strand): 5'-CTAAGCAAGTTTGTTCTGCTGCCTGGCAGAGAAGCTACCTTTTAAAGCTGGGGTGTACAG[G>T]ATGCCCAGTGGACTGATGAAGGAAACCCCATCTTCCCCATCCATTTCGGGGTCATTGTTT-3'
Protein context (NP_004295.2, residues 954-974): DGVSFISPLG[Ile964=]LYTPALKVME

ClinVar aggregate classification (germline): Uncertain significance (1 of 4 stars; one submission).

Conditions:
Hereditary cancer-predisposing syndrome. Also called: Neoplastic Syndromes, Hereditary; Tumor predisposition; Hereditary Cancer Syndrome; Hereditary neoplastic syndrome. Identifiers: Orphanet 140162, MedGen C0027672, MeSH D009386, MONDO:0015356.

Submission:

Ambry Genetics
Classification: Uncertain significance for Hereditary cancer-predisposing syndrome. Last evaluated: 2026-02-12. Review status: criteria provided, single submitter. Criteria: Ambry Variant Classification Scheme 2023. Collection method: clinical testing. Allele origin: germline.
Comment: The c.2892C>A variant (also known as p.I964I), located in coding exon 17 of the ALK gene, results from a C to A substitution at nucleotide position 2892. This nucleotide substitution does not change the amino acid at codon 964. This nucleotide position is not well conserved in available vertebrate species. In silico splice site analysis predicts that this alteration may weaken the native splice donor site. Based on the available evidence, the clinical significance of this variant remains unclear.